The following is an entry in ClinVar:

NM_000760.4(CSF3R):c.543C>T (p.Asp181=)

Gene: CSF3R (colony stimulating factor 3 receptor; minus strand). Cytogenetic location: 1p34.3.
Variant type: single nucleotide variant.
Coding change: c.543C>T on transcript NM_000760.4 (MANE Select); coding-DNA position 543, C replaced by T.
Protein change: p.Asp181=; no amino-acid change (aspartic acid 181 retained).
Molecular consequence: synonymous variant.
Genome position (GRCh38, 1-based): chr1:36,473,565, G>A on the plus strand (C>T on the coding strand, the complement: CSF3R is on the minus strand). VCF-style: chr1-36473565-G-A. GRCh37 (hg19) VCF-style: chr1-36939166-G-A.
Other names: c.543C>T, p.Asp181= (NM_156039.3, NM_172313.3).
Identifiers: ClinVar variation 3061525 (VCV003061525.2), dbSNP rs2521806316, ClinGen allele CA417264211.
Genomic context (GRCh38, chr1:36,473,565, plus strand): 5'-GATGCCCATATTCTGGTACAACAGCAGGTGTTTGCGTGGGATGCAGCAGTGGCTCTGCCC[G>A]TCCTTGGGCACGCAGTCCAGGATGGAGTCCCCTTGGGTCTGACAGTTGCCCCGGCTCCTG-3'
Protein context (NP_000751.1, residues 171-191): GDSILDCVPK[Asp181=]GQSHCCIPRK

ClinVar aggregate classification (germline): Likely benign (0 of 4 stars; one submission).

Conditions:
CSF3R-related disorder. Also called: CSF3R-related condition.

gnomAD v4.1: 7 of 1,614,186 alleles (0.00043%); highest among the groups gnomAD compares: Non-Finnish European, 0.00042%; no homozygotes.

Submission:

PreventionGenetics, part of Exact Sciences
Classification: Likely benign for CSF3R-related condition. Last evaluated: 2021-07-20. Review status: no assertion criteria provided. Collection method: clinical testing. Allele origin: germline.
Comment: This variant is classified as likely benign based on ACMG/AMP sequence variant interpretation guidelines (Richards et al. 2015 PMID: 25741868, with internal and published modifications).